The following is an entry in ClinVar:

NM_153676.4(USH1C):c.358G>A (p.Gly120Ser)

Gene: USH1C (USH1 protein network component harmonin; minus strand). Cytogenetic location: 11p15.1.
Variant type: single nucleotide variant.
Coding change: c.358G>A on transcript NM_153676.4 (MANE Select); coding-DNA position 358, G replaced by A.
Protein change: p.Gly120Ser; replaces glycine 120 with serine.
Molecular consequence: missense variant. On other transcripts: non-coding transcript variant (1).
Genome position (GRCh38, 1-based): chr11:17,531,183, C>T on the plus strand (G>A on the coding strand, the complement: USH1C is on the minus strand). VCF-style: chr11-17531183-C-T. GRCh37 (hg19) VCF-style: chr11-17552730-C-T.
Other names: c.358G>A, p.Gly120Ser (NM_001297764.2, NM_005709.4); short protein forms G120S.
Identifiers: ClinVar variation 1019056 (VCV001019056.7), dbSNP rs1850953775, ClinGen allele CA379796825.
Genomic context (GRCh38, chr11:17,531,183, plus strand): 5'-GCTCCCCCTCCCCCGGACTCTGTTTGCTCACCTGGAGCCCGACGCTGTCTGCCTGACCGC[C>T]TTTGATGAGGTGGGAGATGAAGAGCCCACAGCCAAACTCCAGGCCACCACGCACACTCAG-3'
Protein context (NP_710142.1, residues 110-130): CGLFISHLIK[Gly120Ser]GQADSVGLQV

ClinVar aggregate classification (germline): Uncertain significance. Review status: criteria provided, single submitter (1 of 4 stars). 2 submissions from 2 submitters: Uncertain significance (1). 1 of the submissions does not count toward it. Last evaluated 2024-10-26.

Conditions:
Usher syndrome type 1C. Also called: USHER SYNDROME, TYPE I, ACADIAN VARIETY. Identifiers: Orphanet 231169, Orphanet 886, MedGen C1848604, MONDO:0010171, OMIM 276904.

Submissions (2):

Labcorp Genetics (formerly Invitae), Labcorp
Classification: Uncertain significance. Last evaluated: 2024-10-26. Review status: criteria provided, single submitter. Criteria: Invitae Variant Classification Sherloc (09022015). Collection method: clinical testing. Allele origin: germline.
Comment: This sequence change replaces glycine, which is neutral and non-polar, with serine, which is neutral and polar, at codon 120 of the USH1C protein (p.Gly120Ser). This variant is not present in population databases (gnomAD no frequency). This variant has not been reported in the literature in individuals affected with USH1C-related conditions. ClinVar contains an entry for this variant (Variation ID: 1019056). An algorithm developed to predict the effect of missense changes on protein structure and function (PolyPhen-2) suggests that this variant is likely to be disruptive. In summary, the available evidence is currently insufficient to determine the role of this variant in disease. Therefore, it has been classified as a Variant of Uncertain Significance.

Natera, Inc.
Classification: Uncertain significance for Usher syndrome type 1C. Last evaluated: 2020-08-12. Review status: no assertion criteria provided. Collection method: clinical testing. Allele origin: germline. Not counted in ClinVar's aggregate classification.